The following is an entry in ClinVar:

ClinVar aggregate classification (germline): Pathogenic/Likely pathogenic. Review status: criteria provided, multiple submitters, no conflicts (2 of 4 stars). 2 submissions from 2 submitters: Pathogenic (1); Likely pathogenic (1). Last evaluated 2022-10-27.

Conditions:
HNSHA due to aldolase A deficiency (GSD12). Also called: GLYCOGEN STORAGE DISEASE XII; GSD XII; Glycogen storage disease due to aldolase A deficiency; RED CELL ALDOLASE DEFICIENCY. Identifiers: Orphanet 57, MedGen C0272066, MONDO:0012747, OMIM 611881.

gnomAD v4.1: 6 of 1,614,164 alleles (0.00037%); highest among the groups gnomAD compares: Non-Finnish European, 0.00051%; no homozygotes.

Submissions (2):

Labcorp Genetics (formerly Invitae), Labcorp
Classification: Pathogenic for HNSHA due to aldolase A deficiency. Last evaluated: 2022-10-27. Review status: criteria provided, single submitter. Criteria: Invitae Variant Classification Sherloc (09022015). Collection method: clinical testing. Allele origin: germline.
Comment: For these reasons, this variant has been classified as Pathogenic. Algorithms developed to predict the effect of missense changes on protein structure and function (SIFT, PolyPhen-2, Align-GVGD) all suggest that this variant is likely to be disruptive. ClinVar contains an entry for this variant (Variation ID: 1299556). This missense change has been observed in individual(s) with aldolase A deficiency (PMID: 25392908, 33665120). It has also been observed to segregate with disease in related individuals. This variant is not present in population databases (gnomAD no frequency). This sequence change replaces alanine, which is neutral and non-polar, with valine, which is neutral and non-polar, at codon 280 of the ALDOA protein (p.Ala280Val).

Laboratory of Medical Genetics, National & Kapodistrian University of Athens
Classification: Likely pathogenic for HNSHA due to aldolase A deficiency. Last evaluated: 2021-08-10. Review status: criteria provided, single submitter. Criteria: ACMG Guidelines, 2015. Collection method: clinical testing. Allele origin: maternal. Affected: yes.
Comment: PM2, PM3, PP3, PP5

Literature cited by the submitters: PubMed 25392908 (cited by Labcorp Genetics (formerly Invitae), Labcorp); PubMed 33665120 (cited by Labcorp Genetics (formerly Invitae), Labcorp).

NM_001243177.4(ALDOA):c.1001C>T (p.Ala334Val)

Genes: ALDOA (aldolase, fructose-bisphosphate A; plus strand), LOC112694756 (uncharaterized LOC112694756; plus strand). Cytogenetic location: 16p11.2.
Variant type: single nucleotide variant.
Coding change: c.1001C>T on transcript NM_001243177.4 (MANE Select); coding-DNA position 1001, C replaced by T.
Protein change: p.Ala334Val; replaces alanine 334 with valine.
Molecular consequence: missense variant. On other transcripts: 3 prime UTR variant (3).
Genome position (GRCh38, 1-based): chr16:30,069,869, C>T. VCF-style: chr16-30069869-C-T. GRCh37 (hg19) VCF-style: chr16-30081190-C-T.
Other names: c.*1348C>T (NM_001365304.2, NM_001365305.2, NM_001365307.2); c.839C>T, p.Ala280Val (NM_001127617.2, NM_184041.5, NM_184043.2); short protein forms A280V, A334V.
Identifiers: ClinVar variation 1299556 (VCV001299556.4), dbSNP rs2151019295, ClinGen allele CA395493436.